The following is an entry in ClinVar:

NM_005876.5(SPEG):c.7854G>T (p.Met2618Ile)

Genes: ASIC4-AS1 (ASIC4 antisense RNA 1; minus strand), SPEG (striated muscle enriched protein kinase; plus strand). Cytogenetic location: 2q35.
Variant type: single nucleotide variant.
Coding change: c.7854G>T on transcript NM_005876.5 (MANE Select); coding-DNA position 7854, G replaced by T.
Protein change: p.Met2618Ile; replaces methionine 2618 with isoleucine.
Molecular consequence: missense variant.
Genome position (GRCh38, 1-based): chr2:219,488,306, G>T. VCF-style: chr2-219488306-G-T. GRCh37 (hg19) VCF-style: chr2-220353028-G-T.
Other names: short protein forms M2618I.
Identifiers: ClinVar variation 3655598 (VCV003655598.2).

ClinVar aggregate classification (germline): Uncertain significance (1 of 4 stars; one submission).

Submission:

Labcorp Genetics (formerly Invitae), Labcorp
Classification: Uncertain significance. Last evaluated: 2024-06-10. Review status: criteria provided, single submitter. Criteria: Invitae Variant Classification Sherloc (09022015). Collection method: clinical testing. Allele origin: germline.
Comment: This sequence change replaces methionine, which is neutral and non-polar, with isoleucine, which is neutral and non-polar, at codon 2618 of the SPEG protein (p.Met2618Ile). The frequency data for this variant in the population databases is considered unreliable, as metrics indicate poor data quality at this position in the gnomAD database. This variant has not been reported in the literature in individuals affected with SPEG-related conditions. An algorithm developed to predict the effect of missense changes on protein structure and function (PolyPhen-2) suggests that this variant is likely to be tolerated. In summary, the available evidence is currently insufficient to determine the role of this variant in disease. Therefore, it has been classified as a Variant of Uncertain Significance.